The following is an entry in ClinVar:

ClinVar aggregate classification (germline): Uncertain significance (1 of 4 stars; one submission).

gnomAD v4.1: 7 of 1,613,954 alleles (0.00043%); highest among the groups gnomAD compares: African/African-American, 0.0013%; no homozygotes.

Submission:

Labcorp Genetics (formerly Invitae), Labcorp
Classification: Uncertain significance. Last evaluated: 2026-02-03. Review status: criteria provided, single submitter. Criteria: Invitae Variant Classification Sherloc (09022015). Collection method: clinical testing. Allele origin: germline.
Comment: This sequence change replaces alanine, which is neutral and non-polar, with serine, which is neutral and polar, at codon 541 of the EMC1 protein (p.Ala541Ser). This variant is not present in population databases (gnomAD no frequency). This variant has not been reported in the literature in individuals affected with EMC1-related conditions. Invitae Evidence Modeling of protein sequence and biophysical properties (such as structural, functional, and spatial information, amino acid conservation, physicochemical variation, residue mobility, and thermodynamic stability) indicates that this missense variant is not expected to disrupt EMC1 protein function with a negative predictive value of 80%. In summary, the available evidence is currently insufficient to determine the role of this variant in disease. Therefore, it has been classified as a Variant of Uncertain Significance.

NM_015047.3(EMC1):c.1621G>T (p.Ala541Ser)

Genes: EMC1 (ER membrane protein complex subunit 1; minus strand), EMC1-AS1 (EMC1 antisense RNA 1; plus strand). Cytogenetic location: 1p36.13.
Variant type: single nucleotide variant.
Coding change: c.1621G>T on transcript NM_015047.3 (MANE Select); coding-DNA position 1621, G replaced by T.
Protein change: p.Ala541Ser; replaces alanine 541 with serine.
Molecular consequence: missense variant.
Genome position (GRCh38, 1-based): chr1:19,232,947, C>A on the plus strand (G>T on the coding strand, the complement: EMC1 is on the minus strand). VCF-style: chr1-19232947-C-A. GRCh37 (hg19) VCF-style: chr1-19559441-C-A.
Other names: c.1618G>T, p.Ala540Ser (NM_001271427.2, NM_001271428.2); c.1555G>T, p.Ala519Ser (NM_001271429.2); c.1630G>T, p.Ala544Ser (NM_001375820.1); c.1627G>T, p.Ala543Ser (NM_001375821.1); short protein forms A519S, A541S, A543S, A544S, A540S.
Identifiers: ClinVar variation 4777711 (VCV004777711.1).